The following is an entry in ClinVar:

ClinVar aggregate classification (germline): Uncertain significance (1 of 4 stars; one submission).

Submission:

CeGaT Center for Human Genetics Tuebingen
Classification: Uncertain significance. Last evaluated: 2023-10-01. Review status: criteria provided, single submitter. Criteria: CeGaT Center For Human Genetics Tuebingen Variant Classification Criteria Version 2. Collection method: clinical testing. Allele origin: germline. Affected: yes. Observed: 1 variant allele.
Comment: SLC12A2: PM2

NM_001046.3(SLC12A2):c.1787T>G (p.Val596Gly)

Gene: SLC12A2 (solute carrier family 12 member 2; plus strand). Cytogenetic location: 5q23.3.
Variant type: single nucleotide variant.
Coding change: c.1787T>G on transcript NM_001046.3 (MANE Select); coding-DNA position 1787, T replaced by G.
Protein change: p.Val596Gly; replaces valine 596 with glycine.
Molecular consequence: missense variant. On other transcripts: non-coding transcript variant (1).
Genome position (GRCh38, 1-based): chr5:128,147,635, T>G. VCF-style: chr5-128147635-T-G. GRCh37 (hg19) VCF-style: chr5-127483327-T-G.
Other names: c.1787T>G, p.Val596Gly (NM_001256461.2); short protein forms V596G.
Identifiers: ClinVar variation 2655676 (VCV002655676.24), dbSNP rs2479400771, ClinGen allele CA360746666.
Genomic context (GRCh38, chr5:128,147,635, plus strand): 5'-AATTGTTTGTGAGATTTATTTTTCCATTTTTGTCACTTTTATTTAAGGTAATGAGTATGG[T>G]GTCAGGATTTACACCACTAATTTCTGCAGGTATATTTTCAGCCACTCTTTCTTCAGCATT-3'
Protein context (NP_001037.1, residues 586-606): LMNNFQVMSM[Val596Gly]SGFTPLISAG